The following is an entry in ClinVar:

NM_213599.3(ANO5):c.2237C>G (p.Ala746Gly)

Gene: ANO5 (anoctamin 5; plus strand). Cytogenetic location: 11p14.3.
Variant type: single nucleotide variant.
Coding change: c.2237C>G on transcript NM_213599.3 (MANE Select); coding-DNA position 2237, C replaced by G.
Protein change: p.Ala746Gly; replaces alanine 746 with glycine.
Molecular consequence: missense variant.
Genome position (GRCh38, 1-based): chr11:22,274,570, C>G. VCF-style: chr11-22274570-C-G. GRCh37 (hg19) VCF-style: chr11-22296116-C-G.
Other names: c.2234C>G, p.Ala745Gly (NM_001142649.2); c.2195C>G, p.Ala732Gly (NM_001410963.1); c.2192C>G, p.Ala731Gly (NM_001410964.1); short protein forms A731G, A732G, A746G, A745G.
Identifiers: ClinVar variation 2946388 (VCV002946388.3), dbSNP rs886042907, ClinGen allele CA379924081.

ClinVar aggregate classification (germline): Uncertain significance (1 of 4 stars; one submission).

Conditions:
Gnathodiaphyseal dysplasia (GDD). Also called: GNATHODIAPHYSEAL SCLEROSIS; OSTEOGENESIS IMPERFECTA WITH UNUSUAL SKELETAL LESIONS. Identifiers: Orphanet 53697, MedGen C1833736, MONDO:0008151, OMIM 166260.
Autosomal recessive limb-girdle muscular dystrophy type 2L (LGMDR12). Also called: Limb-girdle muscular dystrophy, type 2L; MUSCULAR DYSTROPHY, LIMB-GIRDLE, AUTOSOMAL RECESSIVE 12; Limb-Girdle Muscular Dystrophy R12 Anoctamin-5-Related (LGMD-R12). Identifiers: Orphanet 206549, MedGen C1969785, MONDO:0012652, OMIM 611307.

Submission:

Labcorp Genetics (formerly Invitae), Labcorp
Classification: Uncertain significance for Autosomal recessive limb-girdle muscular dystrophy type 2L; Gnathodiaphyseal dysplasia. Last evaluated: 2024-10-26. Review status: criteria provided, single submitter. Criteria: Invitae Variant Classification Sherloc (09022015). Collection method: clinical testing. Allele origin: germline.
Comment: This sequence change replaces alanine, which is neutral and non-polar, with glycine, which is neutral and non-polar, at codon 746 of the ANO5 protein (p.Ala746Gly). This variant is not present in population databases (gnomAD no frequency). This variant has not been reported in the literature in individuals affected with ANO5-related conditions. Invitae Evidence Modeling of protein sequence and biophysical properties (such as structural, functional, and spatial information, amino acid conservation, physicochemical variation, residue mobility, and thermodynamic stability) has been performed for this missense variant. However, the output from this modeling did not meet the statistical confidence thresholds required to predict the impact of this variant on ANO5 protein function. In summary, the available evidence is currently insufficient to determine the role of this variant in disease. Therefore, it has been classified as a Variant of Uncertain Significance.